The following is an entry in ClinVar:

NM_014516.4(CNOT3):c.25+4C>T

Gene: CNOT3 (CCR4-NOT transcription complex subunit 3; plus strand). Cytogenetic location: 19q13.42.
Variant type: single nucleotide variant.
Coding change: c.25+4C>T on transcript NM_014516.4 (MANE Select); 4 bases into the intron after coding-DNA position 25, C replaced by T.
Molecular consequence: intron variant.
Genome position (GRCh38, 1-based): chr19:54,143,007, C>T. VCF-style: chr19-54143007-C-T. GRCh37 (hg19) VCF-style: chr19-54646743-C-T.
Identifiers: ClinVar variation 1971441 (VCV001971441.27), dbSNP rs181011894, ClinGen allele CA309338202.
Genomic context (GRCh38, chr19:54,143,007, plus strand): 5'-TATGAAGAGAGTGCGTCTGTAGGGCAGGGAAGATGGCGGACAAGCGCAAACTCCAAGGTA[C>T]TAGACTGACTTCCTGCTGCACCTGTAGCCACATGCTCCCTCTTCTGAGGACTGCTCTTTA-3'

ClinVar aggregate classification (germline): Benign/Likely benign. Review status: criteria provided, multiple submitters, no conflicts (2 of 4 stars). 2 submissions from 2 submitters: Benign (1); Likely benign (1). Last evaluated 2025-09-10.

Allele frequency attached by ClinVar (database versions not stated): gnomAD exomes 0.00006; ExAC 0.00028; gnomAD 0.00073; TOPMed 0.00083; ESP Exome Variant Server 0.00092; 1000 Genomes Project 0.00140; 1000 Genomes Project 30x 0.00156.
gnomAD v4.1: 205 of 1,614,112 alleles (0.013%); highest among the groups gnomAD compares: African/African-American, 0.26%; no homozygotes.

Submissions (2):

Labcorp Genetics (formerly Invitae), Labcorp
Classification: Likely benign. Last evaluated: 2025-09-10. Review status: criteria provided, single submitter. Criteria: Invitae Variant Classification Sherloc (09022015). Collection method: clinical testing. Allele origin: germline.

CeGaT Center for Human Genetics Tuebingen
Classification: Benign. Last evaluated: 2024-02-01. Review status: criteria provided, single submitter. Criteria: CeGaT Center For Human Genetics Tuebingen Variant Classification Criteria Version 2. Collection method: clinical testing. Allele origin: germline. Affected: yes. Observed: 1 variant allele.
Comment: CNOT3: BP4, BS1, BS2